The following is an entry in ClinVar:

NM_014989.7(RIMS1):c.948C>A (p.Ser316Arg)

Gene: RIMS1 (regulating synaptic membrane exocytosis 1; plus strand). Cytogenetic location: 6q13.
Variant type: single nucleotide variant.
Coding change: c.948C>A on transcript NM_014989.7 (MANE Select); coding-DNA position 948, C replaced by A.
Protein change: p.Ser316Arg; replaces serine 316 with arginine.
Molecular consequence: missense variant.
Genome position (GRCh38, 1-based): chr6:72,182,419, C>A. VCF-style: chr6-72182419-C-A. GRCh37 (hg19) VCF-style: chr6-72892122-C-A.
Other names: short protein forms S316R.
Identifiers: ClinVar variation 3010467 (VCV003010467.3), dbSNP rs755535927, ClinGen allele CA364819834.
Genomic context (GRCh38, chr6:72,182,419, plus strand): 5'-CTCAGCGCAGCCCGTGGAGGGGGCCGTCGAAGAACGGGAGCGCAAAGAAAGGCGGGAAAG[C>A]CGAAGGCTTGAGAAAGGGCGATCACAGGATTACCCAGACACGCCGGAAAAACGGGATGAG-3'
Protein context (NP_055804.2, residues 306-326): EERERKERRE[Ser316Arg]RRLEKGRSQD

ClinVar aggregate classification (germline): Uncertain significance (1 of 4 stars; one submission).

Allele frequency attached by ClinVar (database versions not stated): gnomAD 0.00001.
gnomAD v4.1: 2 of 1,613,776 alleles (0.00012%); highest among the groups gnomAD compares: African/African-American, 0.0027%; no homozygotes.

Submission:

Labcorp Genetics (formerly Invitae), Labcorp
Classification: Uncertain significance. Last evaluated: 2023-09-19. Review status: criteria provided, single submitter. Criteria: Invitae Variant Classification Sherloc (09022015). Collection method: clinical testing. Allele origin: germline.
Comment: This variant is not present in population databases (gnomAD no frequency). This variant has not been reported in the literature in individuals affected with RIMS1-related conditions. An algorithm developed to predict the effect of missense changes on protein structure and function (PolyPhen-2) suggests that this variant is likely to be tolerated. In summary, the available evidence is currently insufficient to determine the role of this variant in disease. Therefore, it has been classified as a Variant of Uncertain Significance. This sequence change replaces serine, which is neutral and polar, with arginine, which is basic and polar, at codon 316 of the RIMS1 protein (p.Ser316Arg).